The following is an entry in ClinVar:

ClinVar aggregate classification (germline): Pathogenic (1 of 4 stars; one submission).

Conditions:
Familial thoracic aortic aneurysm and aortic dissection (TAAD). Also called: Thoracic aortic aneurysms and dissections. Identifiers: Orphanet 91387, MedGen C4707243, MONDO:0019625.
Marfan syndrome (MFS). Also called: MARFAN SYNDROME, TYPE I; Marfan syndrome type 1; Marfan's syndrome; Marfan syndrome, classic; FBN1-Related Marfan Syndrome. Identifiers: Orphanet 284963, Orphanet 558, MedGen C0024796, MONDO:0007947, OMIM 154700.

Submission:

Labcorp Genetics (formerly Invitae), Labcorp
Classification: Pathogenic for Marfan syndrome; Familial thoracic aortic aneurysm and aortic dissection. Last evaluated: 2022-07-21. Review status: criteria provided, single submitter. Criteria: Invitae Variant Classification Sherloc (09022015). Collection method: clinical testing. Allele origin: germline.
Comment: This sequence change creates a premature translational stop signal (p.Cys2176*) in the FBN1 gene. It is expected to result in an absent or disrupted protein product. Loss-of-function variants in FBN1 are known to be pathogenic (PMID: 17657824, 19293843). For these reasons, this variant has been classified as Pathogenic. This variant has not been reported in the literature in individuals affected with FBN1-related conditions. This variant is not present in population databases (gnomAD no frequency).

Literature cited by the submitters: PubMed 17657824; PubMed 19293843.

NM_000138.5(FBN1):c.6528T>A (p.Cys2176Ter)

Gene: FBN1 (fibrillin 1; minus strand). Cytogenetic location: 15q21.1.
Variant type: single nucleotide variant.
Coding change: c.6528T>A on transcript NM_000138.5 (MANE Select); coding-DNA position 6528, T replaced by A.
Protein change: p.Cys2176Ter; replaces cysteine 2176 with a stop codon.
Molecular consequence: nonsense.
Genome position (GRCh38, 1-based): chr15:48,434,682, A>T on the plus strand (T>A on the coding strand, the complement: FBN1 is on the minus strand). VCF-style: chr15-48434682-A-T. GRCh37 (hg19) VCF-style: chr15-48726879-A-T.
Other names: c.6528T>A, p.Cys2176Ter (NM_001406716.1); short protein forms C2176*.
Identifiers: ClinVar variation 2018665 (VCV002018665.4), dbSNP rs2141237128, ClinGen allele CA392335144.
Genomic context (GRCh38, chr15:48,434,682, plus strand): 5'-AAATCCCTCCTCGCAGGTGCATTCAAAACCTCCAATCACATTCTTGCAGGTTCCATTTCC[A>T]CAAGGATTGCCAACAGAACATTCATCAGTATCTGCAAGAAACCAGGAATGTGTCCAAAAC-3'